The following is an entry in ClinVar:

ClinVar aggregate classification (germline): Uncertain significance (1 of 4 stars; one submission).

Conditions:
Ataxia-telangiectasia syndrome (AT). Also called: Ataxia telangiectasia (A-T); Cerebello-oculocutaneous telangiectasia; Immunodeficiency with ataxia telangiectasia; AT, COMPLEMENTATION GROUP C; ATAXIA-TELANGIECTASIA, COMPLEMENTATION GROUP A; ATAXIA-TELANGIECTASIA, FRESNO VARIANT. Identifiers: Orphanet 100, MedGen C0004135, MONDO:0008840, OMIM 208900.

Submission:

Labcorp Genetics (formerly Invitae), Labcorp
Classification: Uncertain significance for Ataxia-telangiectasia syndrome. Last evaluated: 2019-03-13. Review status: criteria provided, single submitter. Criteria: Invitae Variant Classification Sherloc (09022015). Collection method: clinical testing. Allele origin: germline.
Comment: In summary, the available evidence is currently insufficient to determine the role of this variant in disease. Therefore, it has been classified as a Variant of Uncertain Significance. Algorithms developed to predict the effect of missense changes on protein structure and function (SIFT, PolyPhen-2, Align-GVGD) all suggest that this variant is likely to be tolerated, but these predictions have not been confirmed by published functional studies and their clinical significance is uncertain. This variant has not been reported in the literature in individuals with ATM-related conditions. This variant is not present in population databases (ExAC no frequency). This sequence change replaces glutamic acid with valine at codon 1776 of the ATM protein (p.Glu1776Val). The glutamic acid residue is moderately conserved and there is a moderate physicochemical difference between glutamic acid and valine.

NM_000051.4(ATM):c.5327A>T (p.Glu1776Val)

Gene: ATM (ATM serine/threonine kinase; plus strand). Cytogenetic location: 11q22.3.
Variant type: single nucleotide variant.
Coding change: c.5327A>T on transcript NM_000051.4 (MANE Select); coding-DNA position 5327, A replaced by T.
Protein change: p.Glu1776Val; replaces glutamic acid 1776 with valine.
Molecular consequence: missense variant.
Genome position (GRCh38, 1-based): chr11:108,302,860, A>T. VCF-style: chr11-108302860-A-T. GRCh37 (hg19) VCF-style: chr11-108173587-A-T.
Other names: c.5327A>T, p.Glu1776Val (NM_001351834.2); short protein forms E1776V.
Identifiers: ClinVar variation 856090 (VCV000856090.9), dbSNP rs2083497029, ClinGen allele CA382543051.
Genomic context (GRCh38, chr11:108,302,860, plus strand): 5'-GTACAATGATTTCCACTTCTCTTATTTACATTTTCTAATCCCTTTCTTTCTAGTTTTTAG[A>T]AGTACCCAGATTTGACAAAGAAAACCCTTTTGAAGGCCTGGATGATATAAATCTGTGGAT-3'
Protein context (NP_000042.3, residues 1766-1786): PFRTSRKKFL[Glu1776Val]VPRFDKENPF